The following is an entry in ClinVar:

ClinVar aggregate classification (germline): Pathogenic/Likely pathogenic. Review status: criteria provided, multiple submitters, no conflicts (2 of 4 stars). 3 submissions from 3 submitters: Pathogenic (2); Likely pathogenic (1). Last evaluated 2026-04-01.

Conditions:
Intellectual disability, X-linked 102 (MRXSSB). Also called: Intellectual developmental disorder, X-linked syndromic, Snijders Blok type. Identifiers: Orphanet 457260, MedGen C5393299, MONDO:0010497, OMIM 300958.

Submissions (3):

GeneDx
Classification: Pathogenic. Last evaluated: 2026-04-01. Review status: criteria provided, single submitter. Criteria: GeneDx Variant Classification Process June 2021. Collection method: clinical testing. Allele origin: germline.
Comment: Nonsense variant predicted to result in protein truncation or nonsense mediated decay in a gene for which loss of function is a known mechanism of disease; Not observed at significant frequency in large population cohorts (gnomAD); Has not been previously published as pathogenic or benign to our knowledge

Broad Center for Mendelian Genomics, Broad Institute of MIT and Harvard
Classification: Likely pathogenic for Intellectual disability, X-linked 102. Last evaluated: 2023-05-02. Review status: criteria provided, single submitter. Criteria: ACMG Guidelines, 2015. Collection method: curation. Allele origin: germline. Inheritance: X-linked inheritance.
Comment: Trio exome analysis showed this variant to be de novo. The p.Ser58Ter variant in DDX3X has been previously reported in one individual with X-linked DDX3X-related neurodevelopmental disorder (PMID: 30349862). The number of reported affected individuals with this variant is slightly greater than expected compared to non-affected individuals with this variant. This variant is assumed de novo in this individual, but paternity and maternity have not been confirmed (PMID: 30349862). This variant has also been reported in ClinVar (Variation ID: 803981) and has been interpreted as pathogenic by Mendelics. This variant was absent from large population studies. This nonsense variant leads to a premature termination codon at position 58, which is predicted to lead to a truncated or absent protein. Loss of function of the DDX3X gene is strongly associated to X-linked DDX3X-related neurodevelopmental disorder. In summary, although additional studies are required to fully establish its clinical significance, this variant is likely pathogenic for X-linked DDX3X-related neurodevelopmental disorder. ACMG/AMP Criteria applied: PVS1_Strong, PS2_Moderate, PS4_Supporting, PM2_Supporting, PM6_Supporting (Richards 2015).

Mendelics
Classification: Pathogenic for Intellectual disability, X-linked 102. Last evaluated: 2019-05-28. Review status: criteria provided, single submitter. Criteria: Mendelics Assertion Criteria 2017. Collection method: clinical testing. Allele origin: unknown.

NM_001356.5(DDX3X):c.173C>G (p.Ser58Ter)

Gene: DDX3X (DEAD-box helicase 3 X-linked; plus strand). Cytogenetic location: Xp11.4.
Variant type: single nucleotide variant.
Coding change: c.173C>G on transcript NM_001356.5 (MANE Select); coding-DNA position 173, C replaced by G.
Protein change: p.Ser58Ter; replaces serine 58 with a stop codon.
Molecular consequence: nonsense. On other transcripts: 5 prime UTR variant (1), non-coding transcript variant (1).
Genome position (GRCh38, 1-based): chrX:41,341,505, C>G. VCF-style: chrX-41341505-C-G. GRCh37 (hg19) VCF-style: chrX-41200758-C-G.
Other names: NM_001356.5(DDX3X):c.173C>G; p.Ser58Ter; c.173C>G, p.Ser58Ter (NM_001193416.3); c.125C>G, p.Ser42Ter (NM_001193417.3); c.-386C>G (NM_001363819.1); c.173C>G (NM_001193416.1); short protein forms S58*, S42*.
Identifiers: ClinVar variation 803981 (VCV000803981.3), dbSNP rs1602126980, ClinGen allele CA412764733.
Genomic context (GRCh38, chrX:41,341,505, plus strand): 5'-AATTAATAATAAAATGTATTTGTGCTTTTTTAATCAAAGGTTTCTACGATAAAGACAGTT[C>G]AGGGTGGAGTTCTAGCAAAGATAAGGATGCGTATAGCAGTTTTGGATCTCGTAGTGATTC-3'